The following is an entry in ClinVar:

ClinVar aggregate classification (germline): Likely benign. Review status: criteria provided, single submitter (1 of 4 stars). 2 submissions from 2 submitters: Likely benign (1). 1 of the submissions does not count toward it. Last evaluated 2024-01-19.

Conditions:
TTC21B-related disorder. Also called: TTC21B-related condition; TTC21B-related disorders.
Jeune thoracic dystrophy. Also called: Short-rib thoracic dysplasia; Jeune syndrome; Infantile thoracic dystrophy; Thoracic pelvic phalangeal dystrophy; Jeune's syndrome; Chondroectodermal dysplasia-like syndrome. Identifiers: Orphanet 474, MedGen C0265275, MONDO:0018770.
Nephronophthisis. Also called: Juvenile Nephronophthisis. Identifiers: Orphanet 655, MedGen C0687120, MONDO:0019005, HP:0000090.

Allele frequency attached by ClinVar (database versions not stated): gnomAD exomes 0.00001; ExAC 0.00002; gnomAD 0.00008; TOPMed 0.00009; ESP Exome Variant Server 0.00031.
gnomAD v4.1: 23 of 1,613,568 alleles (0.0014%); highest among the groups gnomAD compares: African/African-American, 0.028%; no homozygotes.

Submissions (2):

Labcorp Genetics (formerly Invitae), Labcorp
Classification: Likely benign for Jeune thoracic dystrophy; Nephronophthisis. Last evaluated: 2024-01-19. Review status: criteria provided, single submitter. Criteria: Invitae Variant Classification Sherloc (09022015). Collection method: clinical testing. Allele origin: germline.

PreventionGenetics, part of Exact Sciences
Classification: Likely benign for TTC21B-related condition. Last evaluated: 2024-09-05. Review status: no assertion criteria provided. Collection method: clinical testing. Allele origin: germline. Not counted in ClinVar's aggregate classification.
Comment: This variant is classified as likely benign based on ACMG/AMP sequence variant interpretation guidelines (Richards et al. 2015 PMID: 25741868, with internal and published modifications).

NM_024753.5(TTC21B):c.3670C>T (p.Leu1224=)

Gene: TTC21B (tetratricopeptide repeat domain 21B; minus strand). Cytogenetic location: 2q24.3.
Variant type: single nucleotide variant.
Coding change: c.3670C>T on transcript NM_024753.5 (MANE Select); coding-DNA position 3670, C replaced by T.
Protein change: p.Leu1224=; no amino-acid change (leucine 1224 retained).
Molecular consequence: synonymous variant.
Genome position (GRCh38, 1-based): chr2:165,883,808, G>A on the plus strand (C>T on the coding strand, the complement: TTC21B is on the minus strand). VCF-style: chr2-165883808-G-A. GRCh37 (hg19) VCF-style: chr2-166740318-G-A.
Other names: c.3670C>T (NM_024753.4).
Identifiers: ClinVar variation 2195514 (VCV002195514.5), dbSNP rs148919214, ClinGen allele CA1941456.
Genomic context (GRCh38, chr2:165,883,808, plus strand): 5'-TATGCAACAAAGGTCAATAATTATTTTTTACTCTTCAATCACCTACTCTATTATGACGCA[G>A]GCACCGTTTTAACAGGTCTTCTGCCATGTCATATTTTGCTGATTGAATGTAAATATCAGC-3'
Protein context (NP_079029.3, residues 1214-1234): DMAEDLLKRC[Leu1224=]RHNRSCCKAY